The following is an entry in ClinVar:

ClinVar aggregate classification (germline): Uncertain significance. Review status: criteria provided, multiple submitters, no conflicts (2 of 4 stars). 6 submissions from 6 submitters: Uncertain significance (5). 1 of the submissions does not count toward it. Last evaluated 2023-04-14.

Conditions:
Inborn genetic diseases. Identifiers: MedGen C0950123, MeSH D030342.
Smith-Lemli-Opitz syndrome (SLOS). Also called: 7-Dehydrocholesterol reductase deficiency; POLYDACTYLY, SEX REVERSAL, RENAL HYPOPLASIA, AND UNILOBAR LUNG; RSH SYNDROME; RUTLEDGE LETHAL MULTIPLE CONGENITAL ANOMALY SYNDROME; LETHAL ACRODYSGENITAL SYNDROME. Identifiers: Orphanet 818, MedGen C0175694, MONDO:0010035, OMIM 270400.

Allele frequency attached by ClinVar (database versions not stated): gnomAD exomes 0.00002; TOPMed 0.00005; ExAC 0.00007; gnomAD 0.00007 and 0.00008.
gnomAD v4.1: 72 of 1,597,480 alleles (0.0045%); highest among the groups gnomAD compares: Non-Finnish European, 0.0053%; no homozygotes.

Submissions (7):

GeneDx
Classification: Uncertain significance. Last evaluated: 2023-04-14. Review status: criteria provided, single submitter. Criteria: GeneDx Variant Classification Process June 2021. Collection method: clinical testing. Allele origin: germline. Affected: yes.
Comment: Not observed at a significant frequency in large population cohorts (gnomAD); In silico analysis supports that this missense variant does not alter protein structure/function; Has not been previously published as pathogenic or benign to our knowledge

Labcorp Genetics (formerly Invitae), Labcorp
Classification: Uncertain significance for Smith-Lemli-Opitz syndrome. Last evaluated: 2022-07-12. Review status: criteria provided, single submitter. Criteria: Invitae Variant Classification Sherloc (09022015). Collection method: clinical testing. Allele origin: germline.
Comment: This sequence change replaces alanine, which is neutral and non-polar, with valine, which is neutral and non-polar, at codon 41 of the DHCR7 protein (p.Ala41Val). This variant is present in population databases (rs761265690, gnomAD 0.01%). This variant has not been reported in the literature in individuals affected with DHCR7-related conditions. ClinVar contains an entry for this variant (Variation ID: 286285). Advanced modeling of protein sequence and biophysical properties (such as structural, functional, and spatial information, amino acid conservation, physicochemical variation, residue mobility, and thermodynamic stability) performed at Invitae indicates that this missense variant is not expected to disrupt DHCR7 protein function. Algorithms developed to predict the effect of sequence changes on RNA splicing suggest that this variant may create or strengthen a splice site. In summary, the available evidence is currently insufficient to determine the role of this variant in disease. Therefore, it has been classified as a Variant of Uncertain Significance.

Fulgent Genetics
Classification: Uncertain significance for Smith-Lemli-Opitz syndrome. Last evaluated: 2022-01-07. Review status: criteria provided, single submitter. Criteria: ACMG Guidelines, 2015. Collection method: clinical testing. Allele origin: unknown.

Ambry Genetics
Classification: Uncertain significance for Inborn genetic diseases. Last evaluated: 2016-11-03. Review status: criteria provided, single submitter. Criteria: Ambry Variant Classification Scheme 2023. Collection method: clinical testing. Allele origin: germline.
Comment: The p.A41V variant (also known as c.122C>T), located in coding exon 2 of the DHCR7 gene, results from a C to T substitution at nucleotide position 122. The alanine at codon 41 is replaced by valine, an amino acid with similar properties. This variant was not reported in population based cohorts in the following databases: Database of Single Nucleotide Polymorphisms (dbSNP), NHLBI Exome Sequencing Project (ESP), and 1000 Genomes Project. In the ESP, this variant was not observed in 6494 samples (12988 alleles) with coverage at this position. This amino acid position is not well conserved in available vertebrate species. In addition, the in silico prediction for this alteration is inconclusive. Since supporting evidence is limited at this time, the clinical significance of this variant remains unclear.

Eurofins Ntd Llc (ga)
Classification: Uncertain significance. Last evaluated: 2016-03-29. Review status: criteria provided, single submitter. Criteria: EGL Classification Definitions 2015. Collection method: clinical testing. Allele origin: germline. Observed: 1 variant allele, 1 heterozygote.

Natera, Inc.
Classification: Uncertain significance for Smith-Lemli-Opitz syndrome. Last evaluated: 2020-09-16. Review status: no assertion criteria provided. Collection method: clinical testing. Allele origin: germline. Not counted in ClinVar's aggregate classification.

Dr. Peter K. Rogan Lab, Western University
No classification provided (evidence only). Condition: Malignant tumor of esophagus. Review status: no classification provided. Collection method: in vitro. Allele origin: not applicable. Functional consequence: retained intron. Not counted in ClinVar's aggregate classification.

NM_001360.3(DHCR7):c.122C>T (p.Ala41Val)

Gene: DHCR7 (7-dehydrocholesterol reductase; minus strand). Cytogenetic location: 11q13.4.
Variant type: single nucleotide variant.
Coding change: c.122C>T on transcript NM_001360.3 (MANE Select); coding-DNA position 122, C replaced by T.
Protein change: p.Ala41Val; replaces alanine 41 with valine.
Molecular consequence: missense variant.
Genome position (GRCh38, 1-based): chr11:71,444,192, G>A on the plus strand (C>T on the coding strand, the complement: DHCR7 is on the minus strand). VCF-style: chr11-71444192-G-A. GRCh37 (hg19) VCF-style: chr11-71155238-G-A.
Other names: c.122C>T, p.Ala41Val (NM_001163817.2); short protein forms A41V.
Identifiers: ClinVar variation 286285 (VCV000286285.17), dbSNP rs761265690, ClinGen allele CA6162686.